The following is an entry in ClinVar:

ClinVar aggregate classification (germline): Uncertain significance (1 of 4 stars; one submission).

Conditions:
Hereditary cancer-predisposing syndrome. Also called: Hereditary Cancer Syndrome; Tumor predisposition; Hereditary neoplastic syndrome; Neoplastic Syndromes, Hereditary. Identifiers: Orphanet 140162, MedGen C0027672, MeSH D009386, MONDO:0015356.
Cardiovascular phenotype. Identifiers: MedGen CN230736.

Submission:

Ambry Genetics
Classification: Uncertain significance for Cardiovascular phenotype; Hereditary cancer-predisposing syndrome. Last evaluated: 2024-11-22. Review status: criteria provided, single submitter. Criteria: Ambry Variant Classification Scheme 2023. Collection method: clinical testing. Allele origin: germline.
Comment: The p.S1474R variant (also known as c.4422T>A), located in coding exon 33 of the NF1 gene, results from a T to A substitution at nucleotide position 4422. The serine at codon 1474 is replaced by arginine, an amino acid with dissimilar properties. This amino acid position is conserved. In addition, this alteration is predicted to be deleterious by in silico analysis. Based on the available evidence, the clinical significance of this variant remains unclear.

NM_001042492.3(NF1):c.4485T>A (p.Ser1495Arg)

Gene: NF1 (neurofibromin 1; plus strand). Cytogenetic location: 17q11.2.
Variant type: single nucleotide variant.
Coding change: c.4485T>A on transcript NM_001042492.3 (MANE Select); coding-DNA position 4485, T replaced by A.
Protein change: p.Ser1495Arg; replaces serine 1495 with arginine.
Molecular consequence: missense variant.
Genome position (GRCh38, 1-based): chr17:31,260,423, T>A. VCF-style: chr17-31260423-T-A. GRCh37 (hg19) VCF-style: chr17-29587441-T-A.
Other names: c.4422T>A, p.Ser1474Arg (NM_000267.4); short protein forms S1495R, S1474R.
Identifiers: ClinVar variation 3404933 (VCV003404933.1).
Genomic context (GRCh38, chr17:31,260,423, plus strand): 5'-TTGAAGGTTTTTCCTTGATATAGCATCTGATTGTCCTACAAGTGATGCAGTAAATCATAG[T>A]CTTTCCTTCATAAGTGACGGCAATGTGCTTGCTTTACATCGTCTACTCTGGAACAATCAG-3'
Protein context (NP_001035957.1, residues 1485-1505): DCPTSDAVNH[Ser1495Arg]LSFISDGNVL